The following is an entry in ClinVar:

NM_001388492.1(HTT):c.1636A>G (p.Met546Val)

Gene: HTT (huntingtin; plus strand). Cytogenetic location: 4p16.3.
Variant type: single nucleotide variant.
Coding change: c.1636A>G on transcript NM_001388492.1 (MANE Select); coding-DNA position 1636, A replaced by G.
Protein change: p.Met546Val; replaces methionine 546 with valine.
Molecular consequence: missense variant.
Genome position (GRCh38, 1-based): chr4:3,127,497, A>G. VCF-style: chr4-3127497-A-G. GRCh37 (hg19) VCF-style: chr4-3129224-A-G.
Other names: c.1642A>G, p.Met548Val (NM_002111.8); short protein forms M546V, M548V.
Identifiers: ClinVar variation 1521915 (VCV001521915.6), dbSNP rs781353727, ClinGen allele CA2823591.

ClinVar aggregate classification (germline): Uncertain significance (1 of 4 stars; one submission).

Allele frequency attached by ClinVar (database versions not stated): gnomAD exomes 0.00001 and below 0.00001; ExAC 0.00002.
gnomAD v4.1: 7 of 1,614,178 alleles (0.00043%); highest among the groups gnomAD compares: South Asian, 0.0022%; no homozygotes.

Submission:

Labcorp Genetics (formerly Invitae), Labcorp
Classification: Uncertain significance. Last evaluated: 2023-08-04. Review status: criteria provided, single submitter. Criteria: Invitae Variant Classification Sherloc (09022015). Collection method: clinical testing. Allele origin: germline.
Comment: In summary, the available evidence is currently insufficient to determine the role of this variant in disease. Therefore, it has been classified as a Variant of Uncertain Significance. Experimental studies and prediction algorithms are not available or were not evaluated, and the functional significance of this variant is currently unknown. ClinVar contains an entry for this variant (Variation ID: 1521915). This variant has not been reported in the literature in individuals affected with HTT-related conditions. This variant is present in population databases (rs781353727, gnomAD 0.006%). This sequence change replaces methionine, which is neutral and non-polar, with valine, which is neutral and non-polar, at codon 548 of the HTT protein (p.Met548Val).